The following is an entry in ClinVar:

ClinVar aggregate classification (germline): Uncertain significance (1 of 4 stars; one submission).

Conditions:
X-linked intellectual disability, van Esch type. Also called: MENTAL RETARDATION, X-LINKED, SYNDROMIC, VAN ESCH-O''DRISCOLL TYPE; Van Esch-O'Driscoll syndrome. Identifiers: Orphanet 163976, MedGen C4305072, MONDO:0015601, OMIM 301030.

gnomAD v4.1: 1 of 1,199,121 alleles (0.000083%); highest among the groups gnomAD compares: African/African-American, 0.0018%; no homozygotes.

Submission:

3billion
Classification: Uncertain significance for X-linked intellectual disability, van Esch type. Last evaluated: 2025-01-18. Review status: criteria provided, single submitter. Criteria: ACMG Guidelines, 2015. Collection method: clinical testing. Allele origin: germline. Affected: yes.
Comment: The variant is observed at an extremely low frequency in the gnomAD v4.1.0 dataset (total allele frequency: <0.001%). Predicted Consequence/Location: Missense variant. Missense changes are a common disease-causing mechanism. In silico tool predictions suggest no damaging effect of the variant on gene or gene product [REVEL: 0.31 (<0.4); 3Cnet: 0.03 (<0.15, specificity 0.78 and negative predictive value 0.92)]. Therefore, this variant is classified as VUS according to the recommendation of ACMG/AMP guideline.

NM_001330360.2(POLA1):c.2087T>C (p.Ile696Thr)

Gene: POLA1 (DNA polymerase alpha 1, catalytic subunit; plus strand). Cytogenetic location: Xp22.11.
Variant type: single nucleotide variant.
Coding change: c.2087T>C on transcript NM_001330360.2 (MANE Select); coding-DNA position 2087, T replaced by C.
Protein change: p.Ile696Thr; replaces isoleucine 696 with threonine.
Molecular consequence: missense variant.
Genome position (GRCh38, 1-based): chrX:24,739,421, T>C. VCF-style: chrX-24739421-T-C. GRCh37 (hg19) VCF-style: chrX-24757538-T-C.
Other names: c.2012T>C, p.Ile671Thr (NM_001378303.1); c.2087T>C, p.Ile696Thr (NM_001440806.1); c.2069T>C, p.Ile690Thr (NM_016937.4); short protein forms I671T, I690T, I696T.
Identifiers: ClinVar variation 4292860 (VCV004292860.1).